The following is an entry in ClinVar:

NM_004621.6(TRPC6):c.2620A>T (p.Lys874Ter)

Gene: TRPC6 (transient receptor potential cation channel subfamily C member 6; minus strand). Cytogenetic location: 11q22.1.
Variant type: single nucleotide variant.
Coding change: c.2620A>T on transcript NM_004621.6 (MANE Select); coding-DNA position 2620, A replaced by T.
Protein change: p.Lys874Ter; replaces lysine 874 with a stop codon.
Molecular consequence: nonsense.
Genome position (GRCh38, 1-based): chr11:101,453,674, T>A on the plus strand (A>T on the coding strand, the complement: TRPC6 is on the minus strand). VCF-style: chr11-101453674-T-A. GRCh37 (hg19) VCF-style: chr11-101324405-T-A.
Other names: c.2620A>T (NM_004621.5); short protein forms K874*.
Identifiers: ClinVar variation 6154 (VCV000006154.6), dbSNP rs121434393, ClinGen allele CA117980.
Genomic context (GRCh38, chr11:101,453,674, plus strand): 5'-CATTCAGGGGCTGATTTGCTTCTGCGTTCAACTCACCTTCGTTCACTTCATCACTCTCCT[T>A]ATCTATCTGGGCCTGCAGTACATATCTTTTAATGAGCCTTTTCATTATTTTCTAGAAAAC-3'

ClinVar aggregate classification (germline): Conflicting classifications of pathogenicity. Review status: criteria provided, conflicting classifications (1 of 4 stars). 3 submissions from 3 submitters: Pathogenic (1); Uncertain significance (1). 1 of the submissions does not count toward it. Last evaluated 2024-05-14.

Conditions:
Focal segmental glomerulosclerosis 2 (FSGS2). Identifiers: Orphanet 656, MedGen C1858915, MONDO:0011390, OMIM 603965.

Submissions (3):

Labcorp Genetics (formerly Invitae), Labcorp
Classification: Pathogenic. Last evaluated: 2024-05-14. Review status: criteria provided, single submitter. Criteria: Invitae Variant Classification Sherloc (09022015). Collection method: clinical testing. Allele origin: germline.
Comment: This sequence change creates a premature translational stop signal (p.Lys874*) in the TRPC6 gene. While this is not anticipated to result in nonsense mediated decay, it is expected to disrupt the last 58 amino acid(s) of the TRPC6 protein. This variant is not present in population databases (gnomAD no frequency). This premature translational stop signal has been observed in individual(s) with familial focal segmental glomerulosclerosis (PMID: 15924139). It has also been observed to segregate with disease in related individuals. ClinVar contains an entry for this variant (Variation ID: 6154). Algorithms developed to predict the effect of variants on gene product structure and function are not available or were not evaluated for this variant. Experimental studies have shown that this premature translational stop signal does not substantially affect TRPC6 function (PMID: 15924139, 19129465). Algorithms developed to predict the effect of sequence changes on RNA splicing suggest that this variant may disrupt the consensus splice site. For these reasons, this variant has been classified as Pathogenic.

Genetic Services Laboratory, University of Chicago
Classification: Uncertain significance. Last evaluated: 2024-03-15. Review status: criteria provided, single submitter. Criteria: ACMG Guidelines, 2015. Collection method: clinical testing. Allele origin: germline. Affected: no.
Comment: DNA sequence analysis of the TRPC6 gene demonstrated a sequence change, c.2620A>T, which results in the creation of a premature stop codon at amino acid position 874, p.Lys874*. This sequence change is located in the penultimate exon of the gene, therefore the mutant mRNA may escape nonsense mediated decay; however, functional studies are needed to prove this conclusively. This sequence change has not been described in population databases such as ExAC and gnomAD (dbSNP rs121434393). This sequence change has previously been described in a family with autosomal dominant focal segmental glomerulosclerosis (FSGS); it was also present in some of the reportedly asymptomatic family members (PMID: 15924139). This sequence change did not show altered current amplitude (not significantly different from wild type) when expressed in HEK cells (PMID: 15924139). Another experimental assay showed that this variant did not show significant difference in basal NFAT-responsive reporter activity when compared to wild type (PMID: 19129465). Due to these collective evidences and the fact that loss of function is not an established mechanism of disease for this gene; the clinical significance of the p.Lys874* change remains unknown at this time.

OMIM
Classification: Pathogenic for FOCAL SEGMENTAL GLOMERULOSCLEROSIS 2. Last evaluated: 2005-07-01. Review status: no assertion criteria provided. Collection method: literature only. Allele origin: germline. Not counted in ClinVar's aggregate classification.

Literature cited by the submitters: PubMed 15924139 (cited by Labcorp Genetics (formerly Invitae), Labcorp and OMIM); PubMed 19129465 (cited by Labcorp Genetics (formerly Invitae), Labcorp).